The following is an entry in ClinVar:

ClinVar aggregate classification (germline): Conflicting classifications of pathogenicity. Review status: criteria provided, conflicting classifications (1 of 4 stars). 4 submissions from 4 submitters: Uncertain significance (3); Likely benign (1). Last evaluated 2025-09-15.

Conditions:
Inborn genetic diseases. Identifiers: MedGen C0950123, MeSH D030342.
Developmental and epileptic encephalopathy, 46 (DEE46). Also called: GRIN2D-Related Developmental and Epileptic Encephalopathy; Epileptic encephalopathy, early infantile, 46. Identifiers: MedGen C4310687, MONDO:0014947, OMIM 617162.

Allele frequency attached by ClinVar (database versions not stated): ExAC 0.00001; gnomAD exomes 0.00002.
gnomAD v4.1: 28 of 1,601,730 alleles (0.0017%); highest among the groups gnomAD compares: South Asian, 0.022%; 1 homozygote.

Submissions (4):

Labcorp Genetics (formerly Invitae), Labcorp
Classification: Uncertain significance. Last evaluated: 2025-09-15. Review status: criteria provided, single submitter. Criteria: Invitae Variant Classification Sherloc (09022015). Collection method: clinical testing. Allele origin: germline.
Comment: This sequence change replaces glycine, which is neutral and non-polar, with serine, which is neutral and polar, at codon 345 of the GRIN2D protein (p.Gly345Ser). This variant is present in population databases (rs766340946, gnomAD 0.01%). This variant has not been reported in the literature in individuals affected with GRIN2D-related conditions. ClinVar contains an entry for this variant (Variation ID: 2671705). Invitae Evidence Modeling of protein sequence and biophysical properties (such as structural, functional, and spatial information, amino acid conservation, physicochemical variation, residue mobility, and thermodynamic stability) indicates that this missense variant is not expected to disrupt GRIN2D protein function with a negative predictive value of 80%. In summary, the available evidence is currently insufficient to determine the role of this variant in disease. Therefore, it has been classified as a Variant of Uncertain Significance.

Ambry Genetics
Classification: Uncertain significance for Inborn genetic diseases. Last evaluated: 2025-03-07. Review status: criteria provided, single submitter. Criteria: Ambry Variant Classification Scheme 2023. Collection method: clinical testing. Allele origin: germline.

CeGaT Center for Human Genetics Tuebingen
Classification: Likely benign. Last evaluated: 2024-07-01. Review status: criteria provided, single submitter. Criteria: CeGaT Center For Human Genetics Tuebingen Variant Classification Criteria Version 2. Collection method: clinical testing. Allele origin: germline. Affected: yes. Observed: 1 variant allele.
Comment: GRIN2D: PP2, BS2

Neuberg Centre For Genomic Medicine, NCGM
Classification: Uncertain significance for Developmental and epileptic encephalopathy, 46. Last evaluated: 2023-02-14. Review status: criteria provided, single submitter. Criteria: ACMG Guidelines, 2015. Collection method: clinical testing. Allele origin: germline. Inheritance: Autosomal dominant inheritance. Affected: yes.
Comment: The missense c.1033G>A(p.Gly345Ser) variant in GRIN2D gene has not been reported previously as a pathogenic variant nor a benign variant, to our knowledge. The p.Gly345Ser variant has been reported with allele frequency of 0.001% in gnomAD Exomes and is novel (not in any individuals) in 1000 Genomes. This variant has not been reported to the ClinVar database. The amino acid change p.Gly345Ser in GRIN2D is predicted as conserved by GERP++ and PhyloP across 100 vertebrates. The amino acid Gly at position 345 is changed to a Ser changing protein sequence and it might alter its composition and physico-chemical properties. For these reasons, this variant has been classified as Variant of Uncertain Significance (VUS).

NM_000836.4(GRIN2D):c.1033G>A (p.Gly345Ser)

Gene: GRIN2D (glutamate ionotropic receptor NMDA type subunit 2D; plus strand). Cytogenetic location: 19q13.33.
Variant type: single nucleotide variant.
Coding change: c.1033G>A on transcript NM_000836.4 (MANE Select); coding-DNA position 1033, G replaced by A.
Protein change: p.Gly345Ser; replaces glycine 345 with serine.
Molecular consequence: missense variant.
Genome position (GRCh38, 1-based): chr19:48,405,301, G>A. VCF-style: chr19-48405301-G-A. GRCh37 (hg19) VCF-style: chr19-48908558-G-A.
Other names: c.1033G>A (NM_000836.2); short protein forms G345S.
Identifiers: ClinVar variation 2671705 (VCV002671705.22), dbSNP rs766340946, ClinGen allele CA9550440.